The following is an entry in ClinVar:

NM_006031.6(PCNT):c.8495C>T (p.Ala2832Val)

Gene: PCNT (pericentrin; plus strand). Cytogenetic location: 21q22.3.
Variant type: single nucleotide variant.
Coding change: c.8495C>T on transcript NM_006031.6 (MANE Select); coding-DNA position 8495, C replaced by T.
Protein change: p.Ala2832Val; replaces alanine 2832 with valine.
Molecular consequence: missense variant.
Genome position (GRCh38, 1-based): chr21:46,431,959, C>T. VCF-style: chr21-46431959-C-T. GRCh37 (hg19) VCF-style: chr21-47851873-C-T.
Other names: c.8141C>T, p.Ala2714Val (NM_001315529.2); short protein forms A2714V, A2832V.
Identifiers: ClinVar variation 4998696 (VCV004998696.1).

ClinVar aggregate classification (germline): Uncertain significance (1 of 4 stars; one submission).

Conditions:
PCNT-related disorder. Also called: PCNT-related condition.

gnomAD v4.1: 24 of 1,613,954 alleles (0.0015%); highest among the groups gnomAD compares: East Asian, 0.016%; no homozygotes.

Submission:

PreventionGenetics, part of Exact Sciences
Classification: Uncertain significance for PCNT-related condition. Last evaluated: 2025-06-19. Review status: criteria provided, single submitter. Criteria: ACMG Guidelines, 2015. Collection method: clinical testing. Allele origin: germline.
Comment: The PCNT c.8495C>T variant is predicted to result in the amino acid substitution p.Ala2832Val. To our knowledge, this variant has not been reported in the literature. This variant is reported in 0.0058% of alleles in individuals of Latino descent in gnomAD. At this time, the clinical significance of this variant is uncertain due to the absence of conclusive functional and genetic evidence.